The following is an entry in ClinVar:

ClinVar aggregate classification (germline): Likely benign. Review status: criteria provided, multiple submitters, no conflicts (2 of 4 stars). 3 submissions from 3 submitters: Likely benign (3). Last evaluated 2025-10-08.

Conditions:
Hereditary spastic paraplegia 39 (SPG39). Also called: Spastic Paraplegia Type 39 (SPG39); SPASTIC PARAPLEGIA 39, AUTOSOMAL RECESSIVE. Identifiers: Orphanet 139480, MedGen C2677586, MONDO:0012787, OMIM 612020.

Allele frequency attached by ClinVar (database versions not stated): TOPMed 0.00005; gnomAD exomes 0.00007; ExAC 0.00019; gnomAD 0.00057.
gnomAD v4.1: 211 of 1,584,886 alleles (0.013%); highest among the groups gnomAD compares: Non-Finnish European, 0.016%; no homozygotes.

Submissions (3):

Labcorp Genetics (formerly Invitae), Labcorp
Classification: Likely benign for Hereditary spastic paraplegia 39. Last evaluated: 2025-10-08. Review status: criteria provided, single submitter. Criteria: Invitae Variant Classification Sherloc (09022015). Collection method: clinical testing. Allele origin: germline.

CeGaT Center for Human Genetics Tuebingen
Classification: Likely benign. Last evaluated: 2024-11-01. Review status: criteria provided, single submitter. Criteria: CeGaT Center For Human Genetics Tuebingen Variant Classification Criteria Version 2. Collection method: clinical testing. Allele origin: germline. Affected: yes. Observed: 1 variant allele.
Comment: PNPLA6: BP4

Blueprint Genetics
Classification: Likely benign. Last evaluated: 2024-06-07. Review status: criteria provided, single submitter. Criteria: ACMG Guidelines, 2015. Collection method: clinical testing. Allele origin: germline.

NM_001166114.2(PNPLA6):c.1126C>A (p.Arg376=)

Gene: PNPLA6 (patatin like domain 6, lysophospholipase; plus strand). Cytogenetic location: 19p13.2.
Variant type: single nucleotide variant.
Coding change: c.1126C>A on transcript NM_001166114.2 (MANE Select); coding-DNA position 1126, C replaced by A.
Protein change: p.Arg376=; no amino-acid change (arginine 376 retained).
Molecular consequence: synonymous variant.
Genome position (GRCh38, 1-based): chr19:7,541,642, C>A. VCF-style: chr19-7541642-C-A. GRCh37 (hg19) VCF-style: chr19-7606528-C-A.
Other names: c.1153C>A, p.Arg385= (NM_001166111.2); c.1009C>A, p.Arg337= (NM_001166112.2, NM_001166113.1, NM_006702.5).
Identifiers: ClinVar variation 696324 (VCV000696324.25), dbSNP rs780122556, ClinGen allele CA9139677.